The following is an entry in ClinVar:

ClinVar aggregate classification (germline): Conflicting classifications of pathogenicity. Review status: criteria provided, conflicting classifications (1 of 4 stars). 6 submissions from 6 submitters: Uncertain significance (5); Benign (1). Last evaluated 2025-10-27.

Conditions:
Fanconi anemia complementation group A (FANCA). Also called: FANCA-Related Fanconi Anemia; Fanconi anemia, group A. Identifiers: Orphanet 84, MedGen C3469521, MONDO:0009215, OMIM 227650.
Fanconi anemia (FA). Also called: Fanconi's anemia. Identifiers: Orphanet 84, MedGen C0015625, MeSH D005199, MONDO:0019391.

Allele frequency attached by ClinVar (database versions not stated): TOPMed 0.00007; gnomAD 0.00009; ESP Exome Variant Server 0.00023.
gnomAD v4.1: 37 of 1,614,114 alleles (0.0023%); highest among the groups gnomAD compares: Middle Eastern, 0.016%; no homozygotes.

Submissions (6):

Labcorp Genetics (formerly Invitae), Labcorp
Classification: Benign for Fanconi anemia. Last evaluated: 2025-10-27. Review status: criteria provided, single submitter. Criteria: Invitae Variant Classification Sherloc (09022015). Collection method: clinical testing. Allele origin: germline.

Quest Diagnostics Nichols Institute San Juan Capistrano
Classification: Uncertain significance. Last evaluated: 2024-10-30. Review status: criteria provided, single submitter. Criteria: Quest Diagnostics criteria. Collection method: clinical testing. Allele origin: unknown.
Comment: The FANCA c.4177G>A (p.Val1393Met) variant has been reported in the published literature in sisters with premature ovarian insufficiency who also carried an additional variant, FANCA deletion of exons 28-31 (PMID: 38779778 (2024)). Assessment of experimental evidence regarding the effect of this variant on protein function is inconclusive (PMID: 38779778 (2024)). The frequency of this variant in the general population, 0.00028 (7/24954 chromosomes (Genome Aggregation Database)), is uninformative in the assessment of its pathogenicity. Analysis of this variant using bioinformatics tools for the prediction of the effect of amino acid changes on protein structure and function yielded conflicting predictions that this variant is benign or damaging. Based on the available information, we are unable to determine the clinical significance of this variant.

St. Jude Molecular Pathology, St. Jude Children's Research Hospital
Classification: Uncertain significance for Fanconi anemia complementation group A. Last evaluated: 2024-04-11. Review status: criteria provided, single submitter. Criteria: St. Jude Assertion Criteria 2020. Collection method: clinical testing. Allele origin: germline.
Comment: The FANCA c.4177G>A (p.Val1393Met) missense change has a maximum subpopulation frequency of 0.03% in gnomAD v2.1.1. The in silico tool REVEL is inconclusive about a pathogenic or benign effect of this variant on protein function, and functional studies have not been performed. This variant has not been reported in individuals with Fanconi anemia. In summary, the evidence currently available is insufficient to determine the clinical significance of this variant. It has therefore been classified as of uncertain significance.

Fulgent Genetics
Classification: Uncertain significance for Fanconi anemia complementation group A. Last evaluated: 2024-03-14. Review status: criteria provided, single submitter. Criteria: ACMG Guidelines, 2015. Collection method: clinical testing. Allele origin: germline.

Sema4
Classification: Uncertain significance for Fanconi anemia. Last evaluated: 2021-08-10. Review status: criteria provided, single submitter. Criteria: Sema4 Curation Guidelines. Collection method: curation. Allele origin: germline.
Comment: The FANCA c.4177G>A (p.V1393M) variant has not been reported in the literature to our knowledge. It was observed in 7/24954 chromosomes of the African/African American subpopulation in the large and broad cohorts of the Genome Aggregation Database (PMID: 32461654). The variant has been reported in ClinVar (Variation ID: 997461). In silico tools suggest the impact of the variant on protein function is benign, though these predictions have not been confirmed by functional studies. The evidence is insufficient to meet ACMG/AMP criteria for classifying the variant as benign or pathogenic. Thus, the clinical significance of this variant is currently uncertain.

Baylor Genetics
Classification: Uncertain significance for Fanconi anemia complementation group A. Last evaluated: 2020-09-11. Review status: criteria provided, single submitter. Criteria: ACMG Guidelines, 2015. Collection method: clinical testing. Allele origin: unknown. Affected: yes. Study: CSER-TexasKidsCanSeq.
Comment: This variant was determined to be of uncertain significance according to ACMG Guidelines, 2015 [PMID:25741868].

Literature cited by the submitters: PubMed 38779778 (cited by Quest Diagnostics Nichols Institute San Juan Capistrano).

NM_000135.4(FANCA):c.4177G>A (p.Val1393Met)

Genes: ZNF276 (zinc finger protein 276; plus strand), FANCA (FA complementation group A; minus strand). Cytogenetic location: 16q24.3.
Variant type: single nucleotide variant.
Coding change: c.4177G>A on transcript NM_000135.4 (MANE Select); coding-DNA position 4177, G replaced by A.
Protein change: p.Val1393Met; replaces valine 1393 with methionine.
Molecular consequence: missense variant. On other transcripts: 3 prime UTR variant (2), non-coding transcript variant (4).
Genome position (GRCh38, 1-based): chr16:89,738,965, C>T on the plus strand (G>A on the coding strand, the complement: FANCA is on the minus strand). VCF-style: chr16-89738965-C-T. GRCh37 (hg19) VCF-style: chr16-89805373-C-T.
Other names: c.4177G>A (NM_000135.3); c.4181G>A, p.Arg1394His (NM_001286167.3); c.*719C>T (NM_001113525.2, NM_152287.4); short protein forms R1394H, V1393M.
Identifiers: ClinVar variation 997461 (VCV000997461.15), dbSNP rs199652831, ClinGen allele CA8250696.